The following is an entry in ClinVar:

ClinVar aggregate classification (germline): Likely benign. Review status: criteria provided, multiple submitters, no conflicts (2 of 4 stars). 2 submissions from 2 submitters: Likely benign (2). Last evaluated 2026-01-29.

Conditions:
MERTK-related disorder. Also called: MERTK-related condition.

Allele frequency attached by ClinVar (database versions not stated): ExAC 0.00001; gnomAD 0.00003; TOPMed 0.00003; gnomAD exomes 0.00004.
gnomAD v4.1: 68 of 1,594,508 alleles (0.0043%); highest among the groups gnomAD compares: Non-Finnish European, 0.0057%; no homozygotes.

Submissions (2):

Labcorp Genetics (formerly Invitae), Labcorp
Classification: Likely benign. Last evaluated: 2026-01-29. Review status: criteria provided, single submitter. Criteria: Invitae Variant Classification Sherloc (09022015). Collection method: clinical testing. Allele origin: germline.

PreventionGenetics, part of Exact Sciences
Classification: Likely benign for MERTK-related condition. Last evaluated: 2025-01-31. Review status: criteria provided, single submitter. Criteria: ACMG Guidelines, 2015. Collection method: clinical testing. Allele origin: germline.
Comment: This variant is classified as likely benign based on ACMG/AMP sequence variant interpretation guidelines (Richards et al. 2015 PMID: 25741868, with internal and published modifications).

NM_006343.3(MERTK):c.2189+7G>A

Gene: MERTK (MER proto-oncogene, tyrosine kinase; plus strand). Cytogenetic location: 2q13.
Variant type: single nucleotide variant.
Coding change: c.2189+7G>A on transcript NM_006343.3 (MANE Select); 7 bases into the intron after coding-DNA position 2189, G replaced by A.
Molecular consequence: intron variant.
Genome position (GRCh38, 1-based): chr2:112,019,529, G>A. VCF-style: chr2-112019529-G-A. GRCh37 (hg19) VCF-style: chr2-112777106-G-A.
Other names: c.2189+7G>A (NM_006343.2).
Identifiers: ClinVar variation 1904956 (VCV001904956.6), dbSNP rs757634209, ClinGen allele CA1831731.